The following is an entry in ClinVar:

ClinVar aggregate classification (germline): Uncertain significance. Review status: criteria provided, multiple submitters, no conflicts (2 of 4 stars). 2 submissions from 2 submitters: Uncertain significance (2). Last evaluated 2025-04-02.

Conditions:
DPAGT1-congenital disorder of glycosylation. Also called: CONGENITAL DISORDER OF GLYCOSYLATION, TYPE Ij; CDG Ij; DPAGT1-CDG. Identifiers: Orphanet 86309, MedGen C2931004, MONDO:0011964, OMIM 608093.
Congenital myasthenic syndrome 13 (CMS13). Also called: Myasthenic syndrome, congenital, 13, with tubular aggregates; Myasthenic syndrome, congenital, with tubular aggregates 2. Identifiers: Orphanet 353327, Orphanet 590, MedGen C3553645, MONDO:0013883, OMIM 614750.
Inborn genetic diseases. Identifiers: MedGen C0950123, MeSH D030342.

Allele frequency attached by ClinVar (database versions not stated): gnomAD exomes 0.00001.
gnomAD v4.1: 17 of 1,614,152 alleles (0.0011%); highest among the groups gnomAD compares: Non-Finnish European, 0.0014%; no homozygotes.

Submissions (2):

Ambry Genetics
Classification: Uncertain significance for Inborn genetic diseases. Last evaluated: 2025-04-02. Review status: criteria provided, single submitter. Criteria: Ambry Variant Classification Scheme 2023. Collection method: clinical testing. Allele origin: germline.

Labcorp Genetics (formerly Invitae), Labcorp
Classification: Uncertain significance for Congenital myasthenic syndrome 13; DPAGT1-congenital disorder of glycosylation. Last evaluated: 2022-06-28. Review status: criteria provided, single submitter. Criteria: Invitae Variant Classification Sherloc (09022015). Collection method: clinical testing. Allele origin: germline.
Comment: This sequence change replaces valine, which is neutral and non-polar, with methionine, which is neutral and non-polar, at codon 150 of the DPAGT1 protein (p.Val150Met). This variant is not present in population databases (gnomAD no frequency). This variant has not been reported in the literature in individuals affected with DPAGT1-related conditions. ClinVar contains an entry for this variant (Variation ID: 540461). Algorithms developed to predict the effect of missense changes on protein structure and function are either unavailable or do not agree on the potential impact of this missense change (SIFT: "Deleterious"; PolyPhen-2: "Possibly Damaging"; Align-GVGD: "Class C0"). In summary, the available evidence is currently insufficient to determine the role of this variant in disease. Therefore, it has been classified as a Variant of Uncertain Significance.

NM_001382.4(DPAGT1):c.448G>A (p.Val150Met)

Gene: DPAGT1 (dolichyl-phosphate N-acetylglucosaminephosphotransferase 1; minus strand). Cytogenetic location: 11q23.3.
Variant type: single nucleotide variant.
Coding change: c.448G>A on transcript NM_001382.4 (MANE Select); coding-DNA position 448, G replaced by A.
Protein change: p.Val150Met; replaces valine 150 with methionine.
Molecular consequence: missense variant.
Genome position (GRCh38, 1-based): chr11:119,100,678, C>T on the plus strand (G>A on the coding strand, the complement: DPAGT1 is on the minus strand). VCF-style: chr11-119100678-C-T. GRCh37 (hg19) VCF-style: chr11-118971388-C-T.
Other names: short protein forms V150M.
Identifiers: ClinVar variation 540461 (VCV000540461.8), dbSNP rs1555207796, ClinGen allele CA382915005.
Genomic context (GRCh38, chr11:119,100,678, plus strand): 5'-AGGACTACCTACCCAAGTCCAGATGCAGGCCAAGTATCGGGCGGAAGGGCTTGGGCACCA[C>T]AATGGTCGTGTTGCCAAAGTTGGTGAAATAGACCATGAGGAGAGGTAGTGAGGCAGCTGT-3'
Protein context (NP_001373.2, residues 140-160): YFTNFGNTTI[Val150Met]VPKPFRPILG